The following is an entry in ClinVar:

ClinVar aggregate classification (germline): Uncertain significance (1 of 4 stars; one submission).

Submission:

Women's Health and Genetics/Laboratory Corporation of America, LabCorp
Classification: Uncertain significance. Last evaluated: 2025-12-15. Review status: criteria provided, single submitter. Criteria: LabCorp Variant Classification Summary - May 2015. Collection method: clinical testing. Allele origin: germline.
Comment: Variant summary: KCND3 c.1943A>C (p.Asn648Thr) results in a non-conservative amino acid change in the encoded protein sequence. Algorithms developed to predict the effect of missense changes on protein structure and function all suggest that this variant is likely to be disruptive. The variant allele was found at a frequency of 1.2e-05 in 251150 control chromosomes. The available data on variant occurrences in the general population are insufficient to allow any conclusion about variant significance. To our knowledge, no occurrence of c.1943A>C in individuals affected with KCND3-related conditions and no experimental evidence demonstrating its impact on protein function have been reported. No submitters have cited clinical-significance assessments for this variant to ClinVar. Based on the evidence outlined above, the variant was classified as uncertain significance.

NM_001378969.1(KCND3):c.1943A>C (p.Asn648Thr)

Gene: KCND3 (potassium voltage-gated channel subfamily D member 3; minus strand). Cytogenetic location: 1p13.2.
Variant type: single nucleotide variant.
Coding change: c.1943A>C on transcript NM_001378969.1 (MANE Select); coding-DNA position 1943, A replaced by C.
Protein change: p.Asn648Thr; replaces asparagine 648 with threonine.
Molecular consequence: missense variant.
Genome position (GRCh38, 1-based): chr1:111,776,102, T>G on the plus strand (A>C on the coding strand, the complement: KCND3 is on the minus strand). VCF-style: chr1-111776102-T-G. GRCh37 (hg19) VCF-style: chr1-112318724-T-G.
Other names: c.1886A>C, p.Asn629Thr (NM_001378970.1, NM_172198.3); c.1943A>C, p.Asn648Thr (NM_004980.5); short protein forms N629T, N648T.
Identifiers: ClinVar variation 4688306 (VCV004688306.1).
Genomic context (GRCh38, chr1:111,776,102, plus strand): 5'-CCCCACTACCCACTCTGGCCCTCTGTCCAGTGGTTTTACAAGGCGGAGACCTTGACAACA[T>G]TGCTGGCTATGGAAGGAATGTTCGTGTTGGGGCCTGGGCTGGCAGGGGGTGGCCGACTTT-3'
Protein context (NP_001365898.1, residues 638-655): PNTNIPSIAS[Asn648Thr]VVKVSAL